The following is an entry in ClinVar:

ClinVar aggregate classification (germline): Uncertain significance (1 of 4 stars; one submission).

Conditions:
Fanconi anemia (FA). Also called: Fanconi's anemia. Identifiers: Orphanet 84, MedGen C0015625, MeSH D005199, MONDO:0019391.

Allele frequency attached by ClinVar (database versions not stated): ExAC 0.00002; gnomAD exomes 0.00001.
gnomAD v4.1: 6 of 1,613,856 alleles (0.00037%); highest among the groups gnomAD compares: South Asian, 0.0066%; no homozygotes.

Submission:

Labcorp Genetics (formerly Invitae), Labcorp
Classification: Uncertain significance for Fanconi anemia. Last evaluated: 2016-11-16. Review status: criteria provided, single submitter. Criteria: Invitae Variant Classification Sherloc (09022015). Collection method: clinical testing. Allele origin: germline.
Comment: This sequence change replaces serine with tyrosine at codon 1228 of the SLX4 protein (p.Ser1228Tyr). The serine residue is moderately conserved and there is a large physicochemical difference between serine and tyrosine. This variant is present in population databases (rs755523528, ExAC 0.02%) but has not been reported in the literature in individuals with a SLX4-related disease. Algorithms developed to predict the effect of missense changes on protein structure and function output the following: (SIFT: "Deleterious"; PolyPhen-2: "Benign"; Align-GVGD: "Class C0"). The tyrosine amino acid residue is found in multiple mammalian species, suggesting that this missense change does not adversely affect protein function. These predictions have not been confirmed by published functional studies. In summary, this variant is a rare missense change that is not predicted to affect protein function. There is no indication that it causes disease, but the available evidence is currently insufficient to prove that conclusively. Therefore, it has been classified as a Variant of Uncertain Significance.

NM_032444.4(SLX4):c.3683C>A (p.Ser1228Tyr)

Gene: SLX4 (SLX4 structure-specific endonuclease subunit; minus strand). Cytogenetic location: 16p13.3.
Variant type: single nucleotide variant.
Coding change: c.3683C>A on transcript NM_032444.4 (MANE Select); coding-DNA position 3683, C replaced by A.
Protein change: p.Ser1228Tyr; replaces serine 1228 with tyrosine.
Molecular consequence: missense variant.
Genome position (GRCh38, 1-based): chr16:3,589,955, G>T on the plus strand (C>A on the coding strand, the complement: SLX4 is on the minus strand). VCF-style: chr16-3589955-G-T. GRCh37 (hg19) VCF-style: chr16-3639956-G-T.
Other names: c.3683C>A (LRG_503t1); short protein forms S1228Y.
Identifiers: ClinVar variation 407932 (VCV000407932.8), dbSNP rs755523528, ClinGen allele CA7865868.
Genomic context (GRCh38, chr16:3,589,955, plus strand): 5'-GCCTCGCTGGGGCTGCTCTCACGGTCACAGAACAGCCAGGGAGCCCCTCTCCTGCCCAAA[G>T]AGCCCCGATTCTCCGGCAGCGCCCCCTCATCCTCCTGCTGCAGCACAGCTTCGCTTCTTG-3'
Protein context (NP_115820.2, residues 1218-1238): DEGALPENRG[Ser1228Tyr]LGRRGAPWLF